The following is an entry in ClinVar:

ClinVar aggregate classification (germline): Conflicting classifications of pathogenicity. Review status: criteria provided, conflicting classifications (1 of 4 stars). 2 submissions from 2 submitters: Uncertain significance (1); Likely benign (1). Last evaluated 2026-07-17.

Conditions:
HOMER2-related disorder. Also called: HOMER2-related condition.

gnomAD v4.1: 16 of 1,607,610 alleles (0.001%); highest among the groups gnomAD compares: Admixed American, 0.0067%; no homozygotes.

Submissions (2):

PreventionGenetics, part of Exact Sciences
Classification: Uncertain significance for HOMER2-related condition. Last evaluated: 2026-07-17. Review status: criteria provided, single submitter. Criteria: ACMG Guidelines, 2015. Collection method: clinical testing. Allele origin: germline.
Comment: The HOMER2 c.496G>A variant is predicted to result in the amino acid substitution p.Ala166Thr. To our knowledge, this variant has not been reported in the literature. This variant is reported in 0.0087% of alleles in individuals of Latino descent in gnomAD. At this time, the clinical significance of this variant is uncertain due to the absence of conclusive functional and genetic evidence.

CeGaT Center for Human Genetics Tuebingen
Classification: Likely benign. Last evaluated: 2026-06-01. Review status: criteria provided, single submitter. Criteria: CeGaT Center For Human Genetics Tuebingen Variant Classification Criteria Version 2. Collection method: clinical testing. Allele origin: germline. Affected: yes. Observed: 1 variant allele.
Comment: HOMER2: BP4

NM_004839.4(HOMER2):c.496G>A (p.Ala166Thr)

Gene: HOMER2 (homer scaffold protein 2; minus strand). Cytogenetic location: 15q25.2.
Variant type: single nucleotide variant.
Coding change: c.496G>A on transcript NM_004839.4 (MANE Select); coding-DNA position 496, G replaced by A.
Protein change: p.Ala166Thr; replaces alanine 166 with threonine.
Molecular consequence: missense variant.
Genome position (GRCh38, 1-based): chr15:82,854,799, C>T on the plus strand (G>A on the coding strand, the complement: HOMER2 is on the minus strand). VCF-style: chr15-82854799-C-T. GRCh37 (hg19) VCF-style: chr15-83523551-C-T.
Other names: c.529G>A, p.Ala177Thr (NM_199330.3); c.496G>A (NM_004839.3); short protein forms A166T, A177T.
Identifiers: ClinVar variation 4873647 (VCV004873647.3).